The following is an entry in ClinVar:

NM_001371986.1(UNC80):c.5656G>A (p.Ala1886Thr)

Gene: UNC80 (unc-80 homolog, NALCN channel complex subunit; plus strand). Cytogenetic location: 2q34.
Variant type: single nucleotide variant.
Coding change: c.5656G>A on transcript NM_001371986.1 (MANE Select); coding-DNA position 5656, G replaced by A.
Protein change: p.Ala1886Thr; replaces alanine 1886 with threonine.
Molecular consequence: missense variant.
Genome position (GRCh38, 1-based): chr2:209,922,377, G>A. VCF-style: chr2-209922377-G-A. GRCh37 (hg19) VCF-style: chr2-210787101-G-A.
Other names: c.5458G>A, p.Ala1820Thr (NM_032504.2); c.5443G>A, p.Ala1815Thr (NM_182587.4); c.5458G>A (NM_032504.1); short protein forms A1820T, A1815T, A1886T.
Identifiers: ClinVar variation 2164775 (VCV002164775.2), dbSNP rs1280728138, ClinGen allele CA350763205.

ClinVar aggregate classification (germline): Uncertain significance. Review status: criteria provided, multiple submitters, no conflicts (2 of 4 stars). 2 submissions from 2 submitters: Uncertain significance (2). Last evaluated 2022-12-02.

Conditions:
Inborn genetic diseases. Identifiers: MedGen C0950123, MeSH D030342.

Allele frequency attached by ClinVar (database versions not stated): gnomAD 0.00002; gnomAD exomes 0.00002; TOPMed 0.00002.
gnomAD v4.1: 24 of 1,551,448 alleles (0.0015%); highest among the groups gnomAD compares: African/African-American, 0.0027%; no homozygotes.

Submissions (2):

Ambry Genetics
Classification: Uncertain significance for Inborn genetic diseases. Last evaluated: 2022-12-02. Review status: criteria provided, single submitter. Criteria: Ambry Variant Classification Scheme 2023. Collection method: clinical testing. Allele origin: germline.

Labcorp Genetics (formerly Invitae), Labcorp
Classification: Uncertain significance. Last evaluated: 2022-04-10. Review status: criteria provided, single submitter. Criteria: Invitae Variant Classification Sherloc (09022015). Collection method: clinical testing. Allele origin: germline.
Comment: This sequence change replaces alanine, which is neutral and non-polar, with threonine, which is neutral and polar, at codon 1820 of the UNC80 protein (p.Ala1820Thr). This variant is present in population databases (no rsID available, gnomAD 0.006%). This variant has not been reported in the literature in individuals affected with UNC80-related conditions. Algorithms developed to predict the effect of missense changes on protein structure and function are either unavailable or do not agree on the potential impact of this missense change (SIFT: "Not Available"; PolyPhen-2: "Probably Damaging"; Align-GVGD: "Not Available"). In summary, the available evidence is currently insufficient to determine the role of this variant in disease. Therefore, it has been classified as a Variant of Uncertain Significance.